The following is an entry in ClinVar:

ClinVar aggregate classification (germline): Conflicting classifications of pathogenicity. Review status: criteria provided, conflicting classifications (1 of 4 stars). 2 submissions from 2 submitters: Likely pathogenic (1); Uncertain significance (1). Last evaluated 2023-06-22.

Conditions:
Majeed syndrome (MJDS). Also called: CHRONIC RECURRENT MULTIFOCAL OSTEOMYELITIS 1, WITH CONGENITAL DYSERYTHROPOIETIC ANEMIA, WITH OR WITHOUT NEUTROPHILIC DERMATOSIS; LPIN2-Related Majeed Syndrome. Identifiers: Orphanet 77297, MedGen C1864997, MONDO:0012316, OMIM 609628.

Submissions (2):

Neuberg Centre For Genomic Medicine, NCGM
Classification: Uncertain significance for Majeed syndrome. Last evaluated: 2023-06-22. Review status: criteria provided, single submitter. Criteria: ACMG Guidelines, 2015. Collection method: clinical testing. Allele origin: germline. Inheritance: Autosomal recessive inheritance. Affected: yes.
Comment: the splice site c.2442+3_2442+6del variant in the LPIN2 gene has not been reported previously as a pathogenic variant nor as a benign variant, to our knowledge. The variant is absent in gnomAD Exomes. This variant has been reported to the ClinVar database as Likely Pathogenic. However, no details are available for independent assessment. The variant affects position 3 nucleotide of intron 18. Further studies are required to prove the pathogenocoty of the variant. The Splice AI tool predicts the varitan to be damaging. For these reasons, this variant has been classified as Uncertain Significance (VUS).

Genomics Facility, Ludwig-Maximilians-Universität München
Classification: Likely pathogenic for Majeed syndrome. Last evaluated: 2021-12-28. Review status: criteria provided, single submitter. Criteria: ACMG Guidelines, 2015. Collection method: clinical testing. Allele origin: germline. Inheritance: Autosomal recessive inheritance. Affected: yes.

NM_001375808.2(LPIN2):c.2442+3_2442+6del

Gene: LPIN2 (lipin 2; minus strand). Cytogenetic location: 18p11.31.
Variant type: Deletion.
Coding change: c.2442+3_2442+6del on transcript NM_001375808.2 (MANE Select); bases 3 to 6 of the intron after coding-DNA position 2442, 4 bases deleted (GAGT; older notation c.2442+3_2442+6delGAGT).
Molecular consequence: splice donor variant.
Genome position (GRCh38, 1-based): chr18:2,921,527-2,921,530, ACTC deleted on the plus strand (GAGT on the coding strand, the reverse complement: LPIN2 is on the minus strand); deleting any 4 consecutive bases within chr18:2,921,527-2,921,532 gives the same sequence; the c. name uses the placement nearest the transcript's 3' end. VCF-style (leftmost placement, unchanged base first): chr18-2921526-TACTC-T. GRCh37 (hg19) VCF-style: chr18-2921524-TACTC-T.
Other names: c.2442+3_2442+6del (NM_014646.2, NM_001375809.1).
Identifiers: ClinVar variation 1339555 (VCV001339555.3), dbSNP rs2144115996, ClinGen allele CA645599915.